The following is an entry in ClinVar:

NM_024577.4(SH3TC2):c.3321C>A (p.Tyr1107Ter)

Gene: SH3TC2 (SH3 domain and tetratricopeptide repeats 2; minus strand). Cytogenetic location: 5q32.
Variant type: single nucleotide variant.
Coding change: c.3321C>A on transcript NM_024577.4 (MANE Select); coding-DNA position 3321, C replaced by A.
Protein change: p.Tyr1107Ter; replaces tyrosine 1107 with a stop codon.
Molecular consequence: nonsense.
Genome position (GRCh38, 1-based): chr5:149,010,276, G>T on the plus strand (C>A on the coding strand, the complement: SH3TC2 is on the minus strand). VCF-style: chr5-149010276-G-T. GRCh37 (hg19) VCF-style: chr5-148389839-G-T.
Other names: short protein forms Y1107*.
Identifiers: ClinVar variation 637416 (VCV000637416.6), dbSNP rs1580889866, ClinGen allele CA361664784.

ClinVar aggregate classification (germline): Pathogenic. Review status: criteria provided, single submitter (1 of 4 stars). 2 submissions from 2 submitters: Pathogenic (1). 1 of the submissions does not count toward it. Last evaluated 2022-04-01.

Conditions:
Charcot-Marie-Tooth disease. Also called: Charcot-Marie-Tooth Hereditary Neuropathy; Charcot-Marie-Tooth Neuropathy. Identifiers: Orphanet 166, MedGen C0007959, MONDO:0015626.
Charcot-Marie-Tooth disease type 4. Also called: Charcot-Marie-Tooth, Type 4; Charcot-Marie-Tooth disease, type IV. Identifiers: Orphanet 64749, MedGen C4082197, MONDO:0018995.

Submissions (2):

Labcorp Genetics (formerly Invitae), Labcorp
Classification: Pathogenic for Charcot-Marie-Tooth disease type 4. Last evaluated: 2022-04-01. Review status: criteria provided, single submitter. Criteria: Invitae Variant Classification Sherloc (09022015). Collection method: clinical testing. Allele origin: germline.
Comment: For these reasons, this variant has been classified as Pathogenic. ClinVar contains an entry for this variant (Variation ID: 637416). This premature translational stop signal has been observed in individuals with Charcot-Marie-Tooth disease (PMID: 25429913, 31634715). This variant is not present in population databases (gnomAD no frequency). This sequence change creates a premature translational stop signal (p.Tyr1107*) in the SH3TC2 gene. It is expected to result in an absent or disrupted protein product. Loss-of-function variants in SH3TC2 are known to be pathogenic (PMID: 20220177, 27068304).

Inherited Neuropathy Consortium
Classification: Uncertain significance for Charcot-Marie-Tooth disease. Review status: no assertion criteria provided. Collection method: literature only. Allele origin: germline. Affected: yes. Not counted in ClinVar's aggregate classification.

Literature cited by the submitters: PubMed 25429913 (cited by Labcorp Genetics (formerly Invitae), Labcorp and Inherited Neuropathy Consortium); PubMed 31634715 (cited by Labcorp Genetics (formerly Invitae), Labcorp); PubMed 20220177 (cited by Labcorp Genetics (formerly Invitae), Labcorp); PubMed 27068304 (cited by Labcorp Genetics (formerly Invitae), Labcorp).